The following is an entry in ClinVar:

ClinVar aggregate classification (germline): Uncertain significance (1 of 4 stars; one submission).

Conditions:
Early-infantile DEE. Also called: Early infantile epileptic encephalopathy with suppression bursts; Early infantile epileptic encephalopathy; Ohtahara syndrome. Identifiers: Orphanet 1934, MedGen C0393706, MONDO:0800491.

Submission:

Labcorp Genetics (formerly Invitae), Labcorp
Classification: Uncertain significance for Early-infantile DEE. Last evaluated: 2025-03-27. Review status: criteria provided, single submitter. Criteria: Invitae Variant Classification Sherloc (09022015). Collection method: clinical testing. Allele origin: germline.
Comment: This sequence change replaces glycine, which is neutral and non-polar, with aspartic acid, which is acidic and polar, at codon 203 of the ARHGEF15 protein (p.Gly203Asp). This variant is not present in population databases (gnomAD no frequency). This variant has not been reported in the literature in individuals affected with ARHGEF15-related conditions. An algorithm developed to predict the effect of missense changes on protein structure and function (PolyPhen-2) suggests that this variant is likely to be tolerated. In summary, the available evidence is currently insufficient to determine the role of this variant in disease. Therefore, it has been classified as a Variant of Uncertain Significance.

NM_173728.4(ARHGEF15):c.608G>A (p.Gly203Asp)

Gene: ARHGEF15 (Rho guanine nucleotide exchange factor 15; plus strand). Cytogenetic location: 17p13.1.
Variant type: single nucleotide variant.
Coding change: c.608G>A on transcript NM_173728.4 (MANE Select); coding-DNA position 608, G replaced by A.
Protein change: p.Gly203Asp; replaces glycine 203 with aspartic acid.
Molecular consequence: missense variant.
Genome position (GRCh38, 1-based): chr17:8,312,928, G>A. VCF-style: chr17-8312928-G-A. GRCh37 (hg19) VCF-style: chr17-8216246-G-A.
Other names: c.608G>A, p.Gly203Asp (NM_025014.2); short protein forms G203D.
Identifiers: ClinVar variation 4772891 (VCV004772891.1).